The following is an entry in ClinVar:

ClinVar aggregate classification (germline): Conflicting classifications of pathogenicity. Review status: criteria provided, conflicting classifications (1 of 4 stars). 2 submissions from 2 submitters: Uncertain significance (1); Likely benign (1). Last evaluated 2026-04-02.

Conditions:
PKD1-related disorder. Also called: PKD1-related condition.
Polycystic kidney disease, adult type (PKD1). Also called: Polycystic Kidney Disease 1, Autosomal Dominant; Polycystic kidney disease 1; Polycystic kidney disease 1, severe; Polycystic Kidney, Autosomal Dominant; POLYCYSTIC KIDNEY DISEASE, ADULT, TYPE I; POLYCYSTIC KIDNEY DISEASE 1 WITH OR WITHOUT POLYCYSTIC LIVER DISEASE. Identifiers: MedGen C3149841, MONDO:0008263, OMIM 173900.

Submissions (2):

PreventionGenetics, part of Exact Sciences
Classification: Likely benign for PKD1-related condition. Last evaluated: 2026-04-02. Review status: criteria provided, single submitter. Criteria: ACMG Guidelines, 2015. Collection method: clinical testing. Allele origin: germline.
Comment: This variant is classified as likely benign based on ACMG/AMP sequence variant interpretation guidelines (Richards et al. 2015 PMID: 25741868, with internal and published modifications).

Fulgent Genetics
Classification: Uncertain significance for Polycystic kidney disease, adult type. Last evaluated: 2024-04-20. Review status: criteria provided, single submitter. Criteria: ACMG Guidelines, 2015. Collection method: clinical testing. Allele origin: germline.

NM_001009944.3(PKD1):c.516G>C (p.Leu172=)

Gene: PKD1 (polycystin 1, transient receptor potential channel interacting; minus strand). Cytogenetic location: 16p13.3.
Variant type: single nucleotide variant.
Coding change: c.516G>C on transcript NM_001009944.3 (MANE Select); coding-DNA position 516, G replaced by C.
Protein change: p.Leu172=; no amino-acid change (leucine 172 retained).
Molecular consequence: synonymous variant.
Genome position (GRCh38, 1-based): chr16:2,118,689, C>G on the plus strand (G>C on the coding strand, the complement: PKD1 is on the minus strand). VCF-style: chr16-2118689-C-G. GRCh37 (hg19) VCF-style: chr16-2168690-C-G.
Other names: c.516G>C, p.Leu172= (NM_000296.4).
Identifiers: ClinVar variation 3579832 (VCV003579832.2).
Genomic context (GRCh38, chr16:2,118,689, plus strand): 5'-CCACCTGGCTGGGAAGGACAGAGCTGGCCCCACCCACCGGCACTCACCACAGCCACTGTC[C>G]AGCAAGGGGATGCCAAGCAGAGGCTGGCCAGCCAGGGAGCCAGGCCCAGCACACGTGGCT-3'
Protein context (NP_001009944.3, residues 162-182): AGQPLLGIPL[Leu172=]DSGCGEEYVA